The following is an entry in ClinVar:

NM_000493.4(COL10A1):c.1844A>G (p.Tyr615Cys)

Genes: COL10A1 (collagen type X alpha 1 chain; minus strand), NT5DC1 (5'-nucleotidase domain containing 1; plus strand). Cytogenetic location: 6q22.1.
Variant type: single nucleotide variant.
Coding change: c.1844A>G on transcript NM_000493.4 (MANE Select); coding-DNA position 1844, A replaced by G.
Protein change: p.Tyr615Cys; replaces tyrosine 615 with cysteine.
Molecular consequence: missense variant. On other transcripts: intron variant (1).
Genome position (GRCh38, 1-based): chr6:116,120,272, T>C on the plus strand (A>G on the coding strand, the complement: COL10A1 is on the minus strand). VCF-style: chr6-116120272-T-C. GRCh37 (hg19) VCF-style: chr6-116441435-T-C.
Other names: c.1844A>G, p.Tyr615Cys (NM_001424106.1, NM_001424107.1); c.529+2327T>C (NM_152729.3); short protein forms Y615C.
Identifiers: ClinVar variation 1524707 (VCV001524707.8), dbSNP rs760612048, ClinGen allele CA365386671.
Genomic context (GRCh38, chr6:116,120,272, plus strand): 5'-TGATCCAGGTAGCCTTTGGTGTATTCATCATAGGTGTACATTACAGGGGTGCCATTCTTA[T>C]ACAGGCCTACCCAAACATGAGTCCCTTTCACATGCACGTGGTATGAAAAATAGTATATTC-3'
Protein context (NP_000484.2, residues 605-625): VKGTHVWVGL[Tyr615Cys]KNGTPVMYTY

ClinVar aggregate classification (germline): Uncertain significance (1 of 4 stars; one submission).

gnomAD v4.1: 8 of 1,614,244 alleles (0.0005%); highest among the groups gnomAD compares: Non-Finnish European, 0.00059%; no homozygotes.

Submission:

Labcorp Genetics (formerly Invitae), Labcorp
Classification: Uncertain significance. Last evaluated: 2021-04-09. Review status: criteria provided, single submitter. Criteria: Invitae Variant Classification Sherloc (09022015). Collection method: clinical testing. Allele origin: germline.
Comment: In summary, the available evidence is currently insufficient to determine the role of this variant in disease. Therefore, it has been classified as a Variant of Uncertain Significance. Algorithms developed to predict the effect of sequence changes on RNA splicing suggest that this variant may create or strengthen a splice site, but this prediction has not been confirmed by published transcriptional studies. Algorithms developed to predict the effect of missense changes on protein structure and function are either unavailable or do not agree on the potential impact of this missense change (SIFT: "Deleterious"; PolyPhen-2: "Probably Damaging"; Align-GVGD: "Class C0"). This variant has not been reported in the literature in individuals with COL10A1-related conditions. This variant is not present in population databases (ExAC no frequency). This sequence change replaces tyrosine with cysteine at codon 615 of the COL10A1 protein (p.Tyr615Cys). The tyrosine residue is highly conserved and there is a large physicochemical difference between tyrosine and cysteine.